The following is an entry in ClinVar:

ClinVar aggregate classification (germline): Uncertain significance (1 of 4 stars; one submission).

Allele frequency attached by ClinVar (database versions not stated): gnomAD 0.00001; TOPMed 0.00001; gnomAD exomes 0.00002 and 0.00004; ExAC 0.00005.
gnomAD v4.1: 30 of 1,602,420 alleles (0.0019%); highest among the groups gnomAD compares: Non-Finnish European, 0.0023%; no homozygotes.

Submission:

Labcorp Genetics (formerly Invitae), Labcorp
Classification: Uncertain significance. Last evaluated: 2022-05-06. Review status: criteria provided, single submitter. Criteria: Invitae Variant Classification Sherloc (09022015). Collection method: clinical testing. Allele origin: germline.
Comment: This sequence change replaces aspartic acid, which is acidic and polar, with tyrosine, which is neutral and polar, at codon 247 of the MCM4 protein (p.Asp247Tyr). This variant is present in population databases (rs549554177, gnomAD 0.008%). This variant has not been reported in the literature in individuals affected with MCM4-related conditions. Algorithms developed to predict the effect of missense changes on protein structure and function are either unavailable or do not agree on the potential impact of this missense change (SIFT: "Deleterious"; PolyPhen-2: "Benign"; Align-GVGD: "Class C15"). In summary, the available evidence is currently insufficient to determine the role of this variant in disease. Therefore, it has been classified as a Variant of Uncertain Significance.

NM_182746.3(MCM4):c.739G>T (p.Asp247Tyr)

Gene: MCM4 (minichromosome maintenance complex component 4; plus strand). Cytogenetic location: 8q11.21.
Variant type: single nucleotide variant.
Coding change: c.739G>T on transcript NM_182746.3 (MANE Select); coding-DNA position 739, G replaced by T.
Protein change: p.Asp247Tyr; replaces aspartic acid 247 with tyrosine.
Molecular consequence: missense variant.
Genome position (GRCh38, 1-based): chr8:47,964,619, G>T. VCF-style: chr8-47964619-G-T. GRCh37 (hg19) VCF-style: chr8-48877179-G-T.
Other names: c.739G>T, p.Asp247Tyr (NM_005914.4); short protein forms D247Y.
Identifiers: ClinVar variation 1413716 (VCV001413716.6), dbSNP rs549554177, ClinGen allele CA4742413.